The following is an entry in ClinVar:

NM_001042492.3(NF1):c.7334T>C (p.Val2445Ala)

Gene: NF1 (neurofibromin 1; plus strand). Cytogenetic location: 17q11.2.
Variant type: single nucleotide variant.
Coding change: c.7334T>C on transcript NM_001042492.3 (MANE Select); coding-DNA position 7334, T replaced by C.
Protein change: p.Val2445Ala; replaces valine 2445 with alanine.
Molecular consequence: missense variant.
Genome position (GRCh38, 1-based): chr17:31,350,195, T>C. VCF-style: chr17-31350195-T-C. GRCh37 (hg19) VCF-style: chr17-29677213-T-C.
Other names: c.7271T>C, p.Val2424Ala (NM_000267.4); short protein forms V2424A, V2445A.
Identifiers: ClinVar variation 1380050 (VCV001380050.7), dbSNP rs1567623931, ClinGen allele CA399016971.

ClinVar aggregate classification (germline): Uncertain significance. Review status: criteria provided, multiple submitters, no conflicts (2 of 4 stars). 2 submissions from 2 submitters: Uncertain significance (2). Last evaluated 2023-12-08.

Conditions:
Cardiovascular phenotype. Identifiers: MedGen CN230736.
Hereditary cancer-predisposing syndrome. Also called: Tumor predisposition; Hereditary neoplastic syndrome; Neoplastic Syndromes, Hereditary; Hereditary Cancer Syndrome. Identifiers: Orphanet 140162, MedGen C0027672, MeSH D009386, MONDO:0015356.
Neurofibromatosis, type 1 (NF1). Also called: VON RECKLINGHAUSEN DISEASE; Peripheral type neurofibromatosis; Neurofibromatosis, type I; NEUROFIBROMATOSIS, TYPE I, SOMATIC. Identifiers: Orphanet 636, MedGen C0027831, MONDO:0018975, OMIM 162200. Disease mechanism: loss of function.

Submissions (2):

Ambry Genetics
Classification: Uncertain significance for Cardiovascular phenotype; Hereditary cancer-predisposing syndrome. Last evaluated: 2023-12-08. Review status: criteria provided, single submitter. Criteria: Ambry Variant Classification Scheme 2023. Collection method: clinical testing. Allele origin: germline.
Comment: The p.V2424A variant (also known as c.7271T>C), located in coding exon 49 of the NF1 gene, results from a T to C substitution at nucleotide position 7271. The valine at codon 2424 is replaced by alanine, an amino acid with similar properties. This amino acid position is conserved. In addition, the in silico prediction for this alteration is inconclusive. Since supporting evidence is limited at this time, the clinical significance of this alteration remains unclear.

Labcorp Genetics (formerly Invitae), Labcorp
Classification: Uncertain significance for Neurofibromatosis, type 1. Last evaluated: 2021-09-07. Review status: criteria provided, single submitter. Criteria: Invitae Variant Classification Sherloc (09022015). Collection method: clinical testing. Allele origin: germline.
Comment: In summary, the available evidence is currently insufficient to determine the role of this variant in disease. Therefore, it has been classified as a Variant of Uncertain Significance. Advanced modeling of protein sequence and biophysical properties (such as structural, functional, and spatial information, amino acid conservation, physicochemical variation, residue mobility, and thermodynamic stability) performed at Invitae indicates that this missense variant is expected to disrupt NF1 protein function. This variant has not been reported in the literature in individuals affected with NF1-related conditions. This variant is not present in population databases (ExAC no frequency). This sequence change replaces valine with alanine at codon 2424 of the NF1 protein (p.Val2424Ala). The valine residue is moderately conserved and there is a small physicochemical difference between valine and alanine.